The following is an entry in ClinVar:

NM_198253.3(TERT):c.355G>C (p.Val119Leu)

Gene: TERT (telomerase reverse transcriptase; minus strand). Cytogenetic location: 5p15.33.
Variant type: single nucleotide variant.
Coding change: c.355G>C on transcript NM_198253.3 (MANE Select); coding-DNA position 355, G replaced by C.
Protein change: p.Val119Leu; replaces valine 119 with leucine.
Molecular consequence: missense variant. On other transcripts: non-coding transcript variant (2).
Genome position (GRCh38, 1-based): chr5:1,294,531, C>G on the plus strand (G>C on the coding strand, the complement: TERT is on the minus strand). VCF-style: chr5-1294531-C-G. GRCh37 (hg19) VCF-style: chr5-1294646-C-G.
Other names: c.355G>C, p.Val119Leu (NM_001193376.3); short protein forms V119L.
Identifiers: ClinVar variation 5030632 (VCV005030632.1).

ClinVar aggregate classification (germline): Uncertain significance (1 of 4 stars; one submission).

Conditions:
Dyskeratosis congenita. Identifiers: Orphanet 1775, MedGen C0265965, MONDO:0015780.

Submission:

Ambry Genetics
Classification: Uncertain significance for Dyskeratosis congenita. Last evaluated: 2026-06-15. Review status: criteria provided, single submitter. Criteria: Ambry Variant Classification Scheme 2023. Collection method: clinical testing. Allele origin: germline.
Comment: The p.V119L variant (also known as c.355G>C), located in coding exon 2 of the TERT gene, results from a G to C substitution at nucleotide position 355. The valine at codon 119 is replaced by leucine, an amino acid with highly similar properties. This amino acid position is not well conserved in available vertebrate species. In addition, the in silico prediction for this alteration is inconclusive. Based on the available evidence, the clinical significance of this variant remains unclear.